The following is an entry in ClinVar:

ClinVar aggregate classification (germline): Uncertain significance (3 of 4 stars; one submission).

Conditions:
Bernard Soulier syndrome (BSS). Also called: GLYCOPROTEIN Ib, PLATELET, DEFICIENCY OF; PLATELET GLYCOPROTEIN Ib DEFICIENCY; VON WILLEBRAND FACTOR RECEPTOR DEFICIENCY; Giant platelet syndrome; Hemorrhagiparous thrombocytic dystrophy; Giant platelet disease. Identifiers: Orphanet 274, MedGen C0005129, MeSH D001606, MONDO:0009276, OMIM 231200.

gnomAD v4.1: 25 of 1,613,866 alleles (0.0015%); highest among the groups gnomAD compares: South Asian, 0.0044%; no homozygotes.

Submission:

ClinGen Platelet Disorders Variant Curation Expert Panel, ClinGen
Classification: Uncertain significance for Bernard Soulier syndrome. Last evaluated: 2025-02-11. Review status: reviewed by expert panel. Criteria: ClinGen Platelet ACMG Specifications GP1BA V1.0.0. Collection method: curation. Allele origin: germline. Inheritance: Autosomal recessive inheritance.
Comment: NM_000173.7(GP1BA):c.409C>T is a missense variant predicted to cause a substitution of arginine to cysteine at amino acid position 137 (p.Arg137Cys). After a comprehensive literature search, the variant has not reported in any individuals with Bernard-Soulier syndrome. The computational predictor REVEL gives a score of 0.108, which is below the ClinGen PD VCEP threshold of <0.290 and predicts no damaging effect on GP1BA function and SpliceAI predicts no impact on splicing (delta scores 0.00) (BP4). The Grpmax filtering allele frequency in gnomAD v4.1 is 0.00001425 (based on 4/91088 alleles) in the South Asian population, which is below the <0.0001114 threshold for PM2_supporting. In summary, this variant meets the criteria to be classified as Variant of Uncertain significance, insufficient evidence for autosomal recessive Bernard-Soulier syndrome based on the ACMG/AMP criteria applied, as specified by the ClinGen PD VCEP: BP4, PM2_supporting (PD VCEP specifications version 1).

NM_000173.7(GP1BA):c.409C>T (p.Arg137Cys)

Gene: GP1BA (glycoprotein Ib platelet subunit alpha; plus strand). Cytogenetic location: 17p13.2.
Variant type: single nucleotide variant.
Coding change: c.409C>T on transcript NM_000173.7 (MANE Select); coding-DNA position 409, C replaced by T.
Protein change: p.Arg137Cys; replaces arginine 137 with cysteine.
Molecular consequence: missense variant.
Genome position (GRCh38, 1-based): chr17:4,933,013, C>T. VCF-style: chr17-4933013-C-T. GRCh37 (hg19) VCF-style: chr17-4836308-C-T.
Other names: NM_000173.7:c.409C>T; short protein forms R137C.
Identifiers: ClinVar variation 3775061 (VCV003775061.1).